The following is an entry in ClinVar:

NM_001005498.4(RHBDF2):c.510G>A (p.Pro170=)

Gene: RHBDF2 (rhomboid 5 homolog 2; minus strand). Cytogenetic location: 17q25.1.
Variant type: single nucleotide variant.
Coding change: c.510G>A on transcript NM_001005498.4 (MANE Select); coding-DNA position 510, G replaced by A.
Protein change: p.Pro170=; no amino-acid change (proline 170 retained).
Molecular consequence: synonymous variant. On other transcripts: non-coding transcript variant (3).
Genome position (GRCh38, 1-based): chr17:76,478,968, C>T on the plus strand (G>A on the coding strand, the complement: RHBDF2 is on the minus strand). VCF-style: chr17-76478968-C-T. GRCh37 (hg19) VCF-style: chr17-74475050-C-T.
Other names: c.510G>A, p.Pro170= (NM_001376228.1, NM_001376229.1, NM_001376230.1); c.597G>A, p.Pro199= (NM_024599.5).
Identifiers: ClinVar variation 325457 (VCV000325457.21), dbSNP rs140265206, ClinGen allele CA8787326.

ClinVar aggregate classification (germline): Benign/Likely benign. Review status: criteria provided, multiple submitters, no conflicts (2 of 4 stars). 7 submissions from 7 submitters: Benign (2); Likely benign (4). 1 of the submissions does not count toward it. Last evaluated 2026-01-04.

Conditions:
RHBDF2-related disorder. Also called: RHBDF2-related condition.
Palmoplantar keratoderma-esophageal carcinoma syndrome (TOC). Also called: PALMOPLANTAR KERATODERMA WITH ESOPHAGEAL CANCER; KERATOSIS PALMARIS ET PLANTARIS WITH ESOPHAGEAL CANCER; Tylosis with Esophageal Cancer. Identifiers: Orphanet 2198, MedGen C1835664, MONDO:0007856, OMIM 148500.

Allele frequency attached by ClinVar (database versions not stated): 1000 Genomes Project 0.00040; 1000 Genomes Project 30x 0.00047; ExAC 0.00070; gnomAD exomes 0.00071 and 0.00143; gnomAD 0.00079 and 0.00082; TOPMed 0.00080; ESP Exome Variant Server 0.00115.
gnomAD v4.1: 2,173 of 1,593,842 alleles (0.14%); highest among the groups gnomAD compares: Non-Finnish European, 0.17%; 2 homozygotes.

Submissions (7):

Labcorp Genetics (formerly Invitae), Labcorp
Classification: Benign. Last evaluated: 2026-01-04. Review status: criteria provided, single submitter. Criteria: Invitae Variant Classification Sherloc (09022015). Collection method: clinical testing. Allele origin: germline.

Blueprint Genetics
Classification: Likely benign. Last evaluated: 2024-11-25. Review status: criteria provided, single submitter. Criteria: ACMG Guidelines, 2015. Collection method: clinical testing. Allele origin: germline.

KCCC/NGS Laboratory, Kuwait Cancer Control Center
Classification: Likely benign for Palmoplantar keratoderma-esophageal carcinoma syndrome. Last evaluated: 2023-07-07. Review status: criteria provided, single submitter. Criteria: ACMG Guidelines, 2015. Collection method: clinical testing. Allele origin: germline. Affected: yes.

Institute for Clinical Genetics, University Hospital TU Dresden, University Hospital TU Dresden
Classification: Likely benign. Last evaluated: 2021-11-03. Review status: criteria provided, single submitter. Criteria: ACMG Guidelines, 2015. Collection method: clinical testing. Allele origin: germline.

Illumina Laboratory Services, Illumina
Classification: Benign for Palmoplantar keratoderma-esophageal carcinoma syndrome. Last evaluated: 2018-01-12. Review status: criteria provided, single submitter. Criteria: ICSL Variant Classification Criteria 13 December 2019. Collection method: clinical testing. Allele origin: germline.
Comment: This variant was observed in the ICSL laboratory as part of a predisposition screen in an ostensibly healthy population. It had not been previously curated by ICSL or reported in the Human Gene Mutation Database (HGMD: prior to June 1st, 2018), and was therefore a candidate for classification through an automated scoring system. Utilizing variant allele frequency, disease prevalence and penetrance estimates, and inheritance mode, an automated score was calculated to assess if this variant is too frequent to cause the disease. Based on the score and internal cut-off values, a variant classified as benign is not then subjected to further curation. The score for this variant resulted in a classification of benign for this disease.

Breakthrough Genomics
Classification: Likely benign. Review status: criteria provided, single submitter. Criteria: ACMG Guidelines, 2015. Collection method: not provided. Allele origin: germline. Inheritance: Autosomal dominant inheritance. Affected: yes.

PreventionGenetics, part of Exact Sciences
Classification: Likely benign for RHBDF2-related condition. Last evaluated: 2020-06-22. Review status: no assertion criteria provided. Collection method: clinical testing. Allele origin: germline. Not counted in ClinVar's aggregate classification.
Comment: This variant is classified as likely benign based on ACMG/AMP sequence variant interpretation guidelines (Richards et al. 2015 PMID: 25741868, with internal and published modifications).